The following is an entry in ClinVar:

NM_000245.4(MET):c.968G>A (p.Ser323Asn)

Gene: MET (MET proto-oncogene, receptor tyrosine kinase; plus strand). Cytogenetic location: 7q31.2.
Variant type: single nucleotide variant.
Coding change: c.968G>A on transcript NM_000245.4 (MANE Select); coding-DNA position 968, G replaced by A.
Protein change: p.Ser323Asn; replaces serine 323 with asparagine.
Molecular consequence: missense variant. On other transcripts: intron variant (1).
Genome position (GRCh38, 1-based): chr7:116,700,052, G>A. VCF-style: chr7-116700052-G-A. GRCh37 (hg19) VCF-style: chr7-116340106-G-A.
Other names: c.968G>A, p.Ser323Asn (NM_001127500.3, NM_001324401.3); c.-91+27475G>A (NM_001324402.2); c.968G>A (NM_001127500.1); short protein forms S323N.
Identifiers: ClinVar variation 1483273 (VCV001483273.9), dbSNP rs2116602095, ClinGen allele CA368970254.

ClinVar aggregate classification (germline): Conflicting classifications of pathogenicity. Review status: criteria provided, conflicting classifications (1 of 4 stars). 2 submissions from 2 submitters: Uncertain significance (1); Likely benign (1). Last evaluated 2026-02-03.

Conditions:
Renal cell carcinoma. Identifiers: Orphanet 217071, MedGen C0007134, MeSH D002292, MONDO:0005086, HP:0005584.
Hereditary cancer-predisposing syndrome. Also called: Neoplastic Syndromes, Hereditary; Tumor predisposition; Hereditary Cancer Syndrome; Hereditary neoplastic syndrome. Identifiers: Orphanet 140162, MedGen C0027672, MeSH D009386, MONDO:0015356.

Submissions (2):

Ambry Genetics
Classification: Likely benign for Hereditary cancer-predisposing syndrome. Last evaluated: 2026-02-03. Review status: criteria provided, single submitter. Criteria: Ambry Variant Classification Scheme 2023. Collection method: clinical testing. Allele origin: germline.

Labcorp Genetics (formerly Invitae), Labcorp
Classification: Uncertain significance for Renal cell carcinoma. Last evaluated: 2023-05-23. Review status: criteria provided, single submitter. Criteria: Invitae Variant Classification Sherloc (09022015). Collection method: clinical testing. Allele origin: germline.
Comment: ClinVar contains an entry for this variant (Variation ID: 1483273). This sequence change replaces serine, which is neutral and polar, with asparagine, which is neutral and polar, at codon 323 of the MET protein (p.Ser323Asn). This variant is not present in population databases (gnomAD no frequency). This variant has not been reported in the literature in individuals affected with MET-related conditions. Advanced modeling of protein sequence and biophysical properties (such as structural, functional, and spatial information, amino acid conservation, physicochemical variation, residue mobility, and thermodynamic stability) performed at Invitae indicates that this missense variant is not expected to disrupt MET protein function. In summary, the available evidence is currently insufficient to determine the role of this variant in disease. Therefore, it has been classified as a Variant of Uncertain Significance.